The following is an entry in ClinVar:

ClinVar aggregate classification (germline): Uncertain significance. Review status: criteria provided, multiple submitters, no conflicts (2 of 4 stars). 2 submissions from 2 submitters: Uncertain significance (2). Last evaluated 2023-10-05.

Conditions:
Autosomal recessive severe congenital neutropenia due to CSF3R deficiency. Also called: Neutropenia, severe congenital, 7, autosomal recessive. Identifiers: Orphanet 420702, MedGen C4310764, MONDO:0014865, OMIM 617014.

Allele frequency attached by ClinVar (database versions not stated): gnomAD exomes below 0.00001.
gnomAD v4.1: 2 of 1,614,102 alleles (0.00012%); highest among the groups gnomAD compares: Non-Finnish European, 0.00017%; no homozygotes.

Submissions (2):

Labcorp Genetics (formerly Invitae), Labcorp
Classification: Uncertain significance for Autosomal recessive severe congenital neutropenia due to CSF3R deficiency. Last evaluated: 2023-10-05. Review status: criteria provided, single submitter. Criteria: Invitae Variant Classification Sherloc (09022015). Collection method: clinical testing. Allele origin: germline.
Comment: This sequence change replaces leucine, which is neutral and non-polar, with proline, which is neutral and non-polar, at codon 109 of the CSF3R protein (p.Leu109Pro). This variant is present in population databases (no rsID available, gnomAD 0.0009%). This variant has not been reported in the literature in individuals affected with CSF3R-related conditions. ClinVar contains an entry for this variant (Variation ID: 1336908). Advanced modeling of protein sequence and biophysical properties (such as structural, functional, and spatial information, amino acid conservation, physicochemical variation, residue mobility, and thermodynamic stability) performed at Invitae indicates that this missense variant is not expected to disrupt CSF3R protein function. In summary, the available evidence is currently insufficient to determine the role of this variant in disease. Therefore, it has been classified as a Variant of Uncertain Significance.

Genetic Services Laboratory, University of Chicago
Classification: Uncertain significance. Last evaluated: 2018-11-01. Review status: criteria provided, single submitter. Criteria: ACMG Guidelines, 2015. Collection method: clinical testing. Allele origin: germline. Affected: no.

NM_000760.4(CSF3R):c.326T>C (p.Leu109Pro)

Gene: CSF3R (colony stimulating factor 3 receptor; minus strand). Cytogenetic location: 1p34.3.
Variant type: single nucleotide variant.
Coding change: c.326T>C on transcript NM_000760.4 (MANE Select); coding-DNA position 326, T replaced by C.
Protein change: p.Leu109Pro; replaces leucine 109 with proline.
Molecular consequence: missense variant.
Genome position (GRCh38, 1-based): chr1:36,475,412, A>G on the plus strand (T>C on the coding strand, the complement: CSF3R is on the minus strand). VCF-style: chr1-36475412-A-G. GRCh37 (hg19) VCF-style: chr1-36941013-A-G.
Other names: c.326T>C, p.Leu109Pro (NM_156039.3, NM_172313.3); short protein forms L109P.
Identifiers: ClinVar variation 1336908 (VCV001336908.7), dbSNP rs1290014200, ClinGen allele CA339424709.